The following is an entry in ClinVar:

ClinVar aggregate classification (germline): Uncertain significance (1 of 4 stars; one submission).

Conditions:
Heterotaxy, visceral, 1, X-linked (HTX1). Also called: Laterality, X-linked; Visceral heterotaxia; DEXTROCARDIA WITH OTHER CARDIAC MALFORMATIONS; SITUS INVERSUS, COMPLEX CARDIAC DEFECTS, AND SPLENIC DEFECTS, X-LINKED. Identifiers: Orphanet 450, MedGen C1844020, MONDO:0010607, OMIM 306955.

Submission:

Labcorp Genetics (formerly Invitae), Labcorp
Classification: Uncertain significance for Heterotaxy, visceral, 1, X-linked. Last evaluated: 2022-06-04. Review status: criteria provided, single submitter. Criteria: Invitae Variant Classification Sherloc (09022015). Collection method: clinical testing. Allele origin: germline.
Comment: ClinVar contains an entry for this variant (Variation ID: 853122). This variant disrupts the C-terminus of the ZIC3 protein. Other variant(s) that disrupt this region (p.Lys408*) have been observed in individuals with ZIC3-related conditions (PMID: 10980576). This suggests that this may be a clinically significant region of the protein. In summary, the available evidence is currently insufficient to determine the role of this variant in disease. Therefore, it has been classified as a Variant of Uncertain Significance. This variant has not been reported in the literature in individuals affected with ZIC3-related conditions. This sequence change creates a premature translational stop signal (p.Tyr388Ilefs*20) in the ZIC3 gene. While this is not anticipated to result in nonsense mediated decay, it is expected to disrupt the last 80 amino acid(s) of the ZIC3 protein. This variant is not present in population databases (gnomAD no frequency).

Literature cited by the submitters: PubMed 10980576.

NM_003413.4(ZIC3):c.1161del (p.Tyr388fs)

Gene: ZIC3 (Zic family zinc finger 3; plus strand). Cytogenetic location: Xq26.3.
Variant type: Deletion.
Coding change: c.1161del on transcript NM_003413.4 (MANE Select); coding-DNA position 1161, one base deleted (C; older notation c.1161delC).
Protein change: p.Tyr388fs; shifts the reading frame from tyrosine 388.
Molecular consequence: frameshift variant.
Genome position (GRCh38, 1-based): chrX:137,569,002, C deleted; the last of 3 consecutive C bases (chrX:137,569,000-137,569,002); deleting any one gives the same sequence. VCF-style (leftmost placement, unchanged base first): chrX-137568999-GC-G. GRCh37 (hg19) VCF-style: chrX-136651158-GC-G.
Other names: c.1161del, p.Tyr388fs (NM_001330661.1); short protein forms Y388fs.
Identifiers: ClinVar variation 853122 (VCV000853122.9), dbSNP rs1931397833, ClinGen allele CA916084004.